The following is an entry in ClinVar:

NM_004385.5(VCAN):c.979C>T (p.Arg327Cys)

Gene: VCAN (versican; plus strand). Cytogenetic location: 5q14.3.
Variant type: single nucleotide variant.
Coding change: c.979C>T on transcript NM_004385.5 (MANE Select); coding-DNA position 979, C replaced by T.
Protein change: p.Arg327Cys; replaces arginine 327 with cysteine.
Molecular consequence: missense variant.
Genome position (GRCh38, 1-based): chr5:83,512,333, C>T. VCF-style: chr5-83512333-C-T. GRCh37 (hg19) VCF-style: chr5-82808152-C-T.
Other names: c.979C>T, p.Arg327Cys (NM_001126336.3, NM_001164097.2, NM_001164098.2); short protein forms R327C.
Identifiers: ClinVar variation 1367633 (VCV001367633.8), dbSNP rs774306510, ClinGen allele CA360298316.

ClinVar aggregate classification (germline): Uncertain significance (1 of 4 stars; one submission).

gnomAD v4.1: 3 of 1,610,980 alleles (0.00019%); highest among the groups gnomAD compares: Non-Finnish European, 0.00017%; no homozygotes.

Submission:

Labcorp Genetics (formerly Invitae), Labcorp
Classification: Uncertain significance. Last evaluated: 2024-08-28. Review status: criteria provided, single submitter. Criteria: Invitae Variant Classification Sherloc (09022015). Collection method: clinical testing. Allele origin: germline.
Comment: This sequence change replaces arginine, which is basic and polar, with cysteine, which is neutral and slightly polar, at codon 327 of the VCAN protein (p.Arg327Cys). This variant is not present in population databases (gnomAD no frequency). This variant has not been reported in the literature in individuals affected with VCAN-related conditions. ClinVar contains an entry for this variant (Variation ID: 1367633). An algorithm developed to predict the effect of missense changes on protein structure and function (PolyPhen-2) suggests that this variant is likely to be disruptive. Algorithms developed to predict the effect of sequence changes on RNA splicing suggest that this variant may disrupt the consensus splice site. In summary, the available evidence is currently insufficient to determine the role of this variant in disease. Therefore, it has been classified as a Variant of Uncertain Significance.